The following is an entry in ClinVar:

ClinVar aggregate classification (germline): Likely pathogenic. Review status: reviewed by expert panel (3 of 4 stars). 6 submissions from 6 submitters: Likely pathogenic (1). 5 of the submissions do not count toward it. Last evaluated 2021-06-11.

Conditions:
Phenylketonuria (PKU). Also called: Phenylketonurias; OLIGOPHRENIA PHENYLPYRUVICA; FOLLING DISEASE; Phenylketonuria (PKU). Identifiers: Orphanet 716, MedGen C0031485, MONDO:0009861, OMIM 261600. Disease mechanism: loss of function.

Allele frequency attached by ClinVar (database versions not stated): gnomAD exomes below 0.00001.
gnomAD v4.1: 2 of 1,613,804 alleles (0.00012%); highest among the groups gnomAD compares: Non-Finnish European, 0.00017%; no homozygotes.

Submissions (6):

ClinGen PAH Variant Curation Expert Panel
Classification: Likely pathogenic for Phenylketonuria. Last evaluated: 2021-06-11. Review status: reviewed by expert panel. Criteria: ClinGen PAH ACMG Specifications v1. Collection method: curation. Allele origin: germline. Inheritance: Autosomal recessive inheritance.
Comment: The c.1031G>A (p.Gly344Asp) variant in PAH has been reported in multiple individuals with PAH deficiency (BH4 deficiency excluded, PMID: 26503515). This variant is absent in population databases. This variant was detected in with multiple pathogenic variants: p.Arg241Cys (PMID: 18985011); p.R252Q (PMID: 26322415); EX6-96Aï¼žG (PMID: 29316886); p.Q232* (PMID: 30050108). Multiple lines of computational evidence support a deleterious effect. In summary, this variant meets criteria to be classified as pathogenic for PAH. PAH-specific ACMG/AMP criteria applied: PM3_strong, PM2, PP4_Moderate, PP3.

Labcorp Genetics (formerly Invitae), Labcorp
Classification: Pathogenic for Phenylketonuria. Last evaluated: 2024-10-10. Review status: criteria provided, single submitter. Criteria: Invitae Variant Classification Sherloc (09022015). Collection method: clinical testing. Allele origin: germline. Not counted in ClinVar's aggregate classification.
Comment: This sequence change replaces glycine, which is neutral and non-polar, with aspartic acid, which is acidic and polar, at codon 344 of the PAH protein (p.Gly344Asp). This variant is not present in population databases (gnomAD no frequency). This missense change has been observed in individual(s) with phenylketonuria (PMID: 18985011, 26322415). ClinVar contains an entry for this variant (Variation ID: 102481). Invitae Evidence Modeling of protein sequence and biophysical properties (such as structural, functional, and spatial information, amino acid conservation, physicochemical variation, residue mobility, and thermodynamic stability) indicates that this missense variant is expected to disrupt PAH protein function with a positive predictive value of 80%. This variant disrupts the p.Gly344 amino acid residue in PAH. Other variant(s) that disrupt this residue have been determined to be pathogenic (PMID: 17502162, 26600521, 32668217). This suggests that this residue is clinically significant, and that variants that disrupt this residue are likely to be disease-causing. For these reasons, this variant has been classified as Pathogenic.

Women's Health and Genetics/Laboratory Corporation of America, LabCorp
Classification: Likely pathogenic for Phenylketonuria. Last evaluated: 2024-05-21. Review status: criteria provided, single submitter. Criteria: LabCorp Variant Classification Summary - May 2015. Collection method: clinical testing. Allele origin: germline. Not counted in ClinVar's aggregate classification.
Comment: Variant summary: PAH c.1031G>A (p.Gly344Asp) results in a non-conservative amino acid change located in the Aromatic amino acid hydroxylase, C-terminal domain (IPR019774) of the encoded protein sequence. Five of five in-silico tools predict a damaging effect of the variant on protein function. The variant was absent in 251240 control chromosomes. c.1031G>A has been reported in the literature in individuals affected with Phenylalanine Hydroxylase Deficiency (Phenylketonuria) (Hillert_2020, Li_2018). These data indicate that the variant is likely to be associated with disease. To our knowledge, no experimental evidence demonstrating an impact on protein function has been reported. The following publications have been ascertained in the context of this evaluation (PMID: 32668217, 30050108). ClinVar contains an entry for this variant (Variation ID: 102481). Based on the evidence outlined above, the variant was classified as likely pathogenic.

Baylor Genetics
Classification: Pathogenic for Phenylketonuria. Last evaluated: 2022-05-30. Review status: criteria provided, single submitter. Criteria: ACMG Guidelines, 2015. Collection method: clinical testing. Allele origin: unknown. Not counted in ClinVar's aggregate classification.

Juno Genomics, Hangzhou Juno Genomics, Inc
Classification: Likely pathogenic for Phenylketonuria. Review status: criteria provided, single submitter. Criteria: ACMG Guidelines, 2015. Collection method: clinical testing. Allele origin: germline. Not counted in ClinVar's aggregate classification.
Comment: Absent from controls (or at extremely low frequency if recessive) in Genome Aggregation Database.;Multiple lines of computational evidence support a deleterious effect on the gene or gene product.;For recessive disorders, detected in trans with a pathogenic variant.;Patient's phenotype or family history is highly specific for a disease with a single genetic etiology.

DeBelle Laboratory for Biochemical Genetics, MUHC/MCH RESEARCH INSTITUTE
No classification provided. Review status: no classification provided. Collection method: not provided. Allele origin: not provided. Not counted in ClinVar's aggregate classification.

Literature cited by the submitters: PubMed 26503515 (cited by ClinGen PAH Variant Curation Expert Panel); PubMed 18985011 (cited by Labcorp Genetics (formerly Invitae), Labcorp); PubMed 26322415 (cited by Labcorp Genetics (formerly Invitae), Labcorp); PubMed 17502162 (cited by Labcorp Genetics (formerly Invitae), Labcorp); PubMed 26600521 (cited by Labcorp Genetics (formerly Invitae), Labcorp); PubMed 32668217 (cited by Labcorp Genetics (formerly Invitae), Labcorp and Women's Health and Genetics/Laboratory Corporation of America, LabCorp); PubMed 30050108 (cited by Women's Health and Genetics/Laboratory Corporation of America, LabCorp).

NM_000277.3(PAH):c.1031G>A (p.Gly344Asp)

Gene: PAH (phenylalanine hydroxylase; minus strand). Cytogenetic location: 12q23.2.
Variant type: single nucleotide variant.
Coding change: c.1031G>A on transcript NM_000277.3 (MANE Select); coding-DNA position 1031, G replaced by A.
Protein change: p.Gly344Asp; replaces glycine 344 with aspartic acid.
Molecular consequence: missense variant.
Genome position (GRCh38, 1-based): chr12:102,844,370, C>T on the plus strand (G>A on the coding strand, the complement: PAH is on the minus strand). VCF-style: chr12-102844370-C-T. GRCh37 (hg19) VCF-style: chr12-103238148-C-T.
Other names: c.1031G>A, p.Gly344Asp (NM_001354304.2); short protein forms G344D.
Identifiers: ClinVar variation 102481 (VCV000102481.8), dbSNP rs62508582, ClinGen allele CA229288.
Genomic context (GRCh38, chr12:102,844,370, plus strand): 5'-ATCCTTGGTTCCTGTGAAGGTCATACCTGTAATTCACCAAAGGATGACAGGAGCCCAGCA[C>T]CATATGCCTTTATGGAGTCTCCTTGTTTGCAGAGCCCAAACTCCACAGTAAACCAGTAAA-3'
Protein context (NP_000268.1, residues 334-354): CKQGDSIKAY[Gly344Asp]AGLLSSFGEL